The following is an entry in ClinVar:

ClinVar aggregate classification (germline): Uncertain significance. Review status: criteria provided, multiple submitters, no conflicts (2 of 4 stars). 3 submissions from 3 submitters: Uncertain significance (3). Last evaluated 2023-07-26.

Conditions:
Glucocorticoid deficiency 5. Identifiers: MedGen C4540522, MONDO:0040502, OMIM 617825.
Primary dilated cardiomyopathy (DCM). Also called: Dilated Cardiomyopathy. Identifiers: Orphanet 217604, MedGen C0007193, MeSH D002311, MONDO:0005021, HP:0001644. Inheritance: Various modes of inheritance.
Cardiovascular phenotype. Identifiers: MedGen CN230736.

Allele frequency attached by ClinVar (database versions not stated): ExAC 0.00001; gnomAD exomes 0.00001; TOPMed 0.00002; gnomAD 0.00005.
gnomAD v4.1: 10 of 1,612,644 alleles (0.00062%); highest among the groups gnomAD compares: African/African-American, 0.012%; no homozygotes.

Submissions (3):

Ambry Genetics
Classification: Uncertain significance for Cardiovascular phenotype. Last evaluated: 2023-07-26. Review status: criteria provided, single submitter. Criteria: Ambry Variant Classification Scheme 2023. Collection method: clinical testing. Allele origin: germline.
Comment: The c.1348-2A>G intronic variant results from an A to G substitution two nucleotides upstream from coding exon 16 in the TXNRD2 gene. This nucleotide position is highly conserved in available vertebrate species. In silico splice site analysis predicts that this alteration will weaken the native splice acceptor site. Alterations that disrupt the canonical splice site are expected to cause aberrant splicing, resulting in an abnormal protein or a transcript that is subject to nonsense-mediated mRNA decay. However, loss of function of TXNRD2 has not been clearly established as a mechanism of disease. The evidence for this gene-disease relationship is limited; therefore, the clinical significance of this alteration is unclear.

Fulgent Genetics
Classification: Uncertain significance for Glucocorticoid deficiency 5. Last evaluated: 2021-08-31. Review status: criteria provided, single submitter. Criteria: ACMG Guidelines, 2015. Collection method: clinical testing. Allele origin: unknown.

Labcorp Genetics (formerly Invitae), Labcorp
Classification: Uncertain significance for Primary dilated cardiomyopathy. Last evaluated: 2020-10-20. Review status: criteria provided, single submitter. Criteria: Invitae Variant Classification Sherloc (09022015). Collection method: clinical testing. Allele origin: germline.
Comment: In summary, the available evidence is currently insufficient to determine the role of this variant in disease. Therefore, it has been classified as a Variant of Uncertain Significance. Algorithms developed to predict the effect of sequence changes on RNA splicing suggest that this variant may disrupt the consensus splice site, but this prediction has not been confirmed by published transcriptional studies. This variant has not been reported in the literature in individuals with TXNRD2-related conditions. This variant is present in population databases (rs768600057, ExAC 0.01%). This sequence change affects an acceptor splice site in intron 15 of the TXNRD2 gene. It is expected to disrupt RNA splicing. Variants that disrupt the donor or acceptor splice site typically lead to a loss of protein function (PMID: 16199547), however the current clinical and genetic evidence is not sufficient to establish whether loss-of-function variants in TXNRD2 cause disease.

Literature cited by the submitters: PubMed 16199547 (cited by Labcorp Genetics (formerly Invitae), Labcorp).

NM_006440.5(TXNRD2):c.1348-2A>G

Gene: TXNRD2 (thioredoxin reductase 2; minus strand). Cytogenetic location: 22q11.21.
Variant type: single nucleotide variant.
Coding change: c.1348-2A>G on transcript NM_006440.5 (MANE Select); the canonical splice acceptor site of the intron before coding-DNA position 1348, A replaced by G.
Molecular consequence: splice acceptor variant.
Genome position (GRCh38, 1-based): chr22:19,878,189, T>C on the plus strand (A>G on the coding strand, the complement: TXNRD2 is on the minus strand). VCF-style: chr22-19878189-T-C. GRCh37 (hg19) VCF-style: chr22-19865712-T-C.
Other names: c.1345-2A>G (NM_001352300.2); c.1060-2A>G (NM_001352302.2); c.1258-2A>G (NM_001352301.2).
Identifiers: ClinVar variation 1017858 (VCV001017858.13), dbSNP rs768600057, ClinGen allele CA10103678.
Genomic context (GRCh38, chr22:19,878,189, plus strand): 5'-TTGGGGCCAAGGAAATGCAGGCCCAGCACCAGCTGTGGGGGCTCCCTCAGGCACACCATC[T>C]GAAAGCCGCACATCTCAGCCACCAGCCCAGGAGGGGGCTGGGTTGCGTCCACCCTGCATC-3'